The following is an entry in ClinVar:

ClinVar aggregate classification (germline): Uncertain significance. Review status: criteria provided, multiple submitters, no conflicts (2 of 4 stars). 3 submissions from 3 submitters: Uncertain significance (3). Last evaluated 2025-08-25.

Conditions:
Inborn genetic diseases. Identifiers: MedGen C0950123, MeSH D030342.

Allele frequency attached by ClinVar (database versions not stated): gnomAD exomes 0.00001; TOPMed 0.00001; gnomAD 0.00001; ESP Exome Variant Server 0.00008; ExAC 0.00001.
gnomAD v4.1: 19 of 1,613,478 alleles (0.0012%); highest among the groups gnomAD compares: Non-Finnish European, 0.0016%; no homozygotes.

Submissions (3):

Labcorp Genetics (formerly Invitae), Labcorp
Classification: Uncertain significance. Last evaluated: 2025-08-25. Review status: criteria provided, single submitter. Criteria: Invitae Variant Classification Sherloc (09022015). Collection method: clinical testing. Allele origin: germline.
Comment: This sequence change replaces asparagine, which is neutral and polar, with histidine, which is basic and polar, at codon 925 of the SAMD9 protein (p.Asn925His). This variant is present in population databases (rs374919171, gnomAD 0.002%). This variant has not been reported in the literature in individuals affected with SAMD9-related conditions. ClinVar contains an entry for this variant (Variation ID: 1712665). Invitae Evidence Modeling of protein sequence and biophysical properties (such as structural, functional, and spatial information, amino acid conservation, physicochemical variation, residue mobility, and thermodynamic stability) has been performed for this missense variant. However, the output from this modeling did not meet the statistical confidence thresholds required to predict the impact of this variant on SAMD9 protein function. In summary, the available evidence is currently insufficient to determine the role of this variant in disease. Therefore, it has been classified as a Variant of Uncertain Significance.

Ambry Genetics
Classification: Uncertain significance for Inborn genetic diseases. Last evaluated: 2024-11-23. Review status: criteria provided, single submitter. Criteria: Ambry Variant Classification Scheme 2023. Collection method: clinical testing. Allele origin: germline.
Comment: The p.N925H variant (also known as c.2773A>C), located in coding exon 1 of the SAMD9 gene, results from an A to C substitution at nucleotide position 2773. The asparagine at codon 925 is replaced by histidine, an amino acid with similar properties. This amino acid position is conserved. In addition, this alteration is predicted to be tolerated by in silico analysis. Based on the available evidence, the clinical significance of this variant remains unclear.

GeneDx
Classification: Uncertain significance. Last evaluated: 2024-04-25. Review status: criteria provided, single submitter. Criteria: GeneDx Variant Classification Process June 2021. Collection method: clinical testing. Allele origin: germline.
Comment: Not observed at significant frequency in large population cohorts (gnomAD); In silico analysis supports that this missense variant has a deleterious effect on protein structure/function; Has not been previously published as pathogenic or benign to our knowledge; This variant is associated with the following publications: (PMID: 28545555)

NM_017654.4(SAMD9):c.2773A>C (p.Asn925His)

Gene: SAMD9 (sterile alpha motif domain containing 9; minus strand). Cytogenetic location: 7q21.2.
Variant type: single nucleotide variant.
Coding change: c.2773A>C on transcript NM_017654.4 (MANE Select); coding-DNA position 2773, A replaced by C.
Protein change: p.Asn925His; replaces asparagine 925 with histidine.
Molecular consequence: missense variant.
Genome position (GRCh38, 1-based): chr7:93,103,325, T>G on the plus strand (A>C on the coding strand, the complement: SAMD9 is on the minus strand). VCF-style: chr7-93103325-T-G. GRCh37 (hg19) VCF-style: chr7-92732638-T-G.
Other names: c.2773A>C, p.Asn925His (NM_001193307.2); short protein forms N925H.
Identifiers: ClinVar variation 1712665 (VCV001712665.9), dbSNP rs374919171, ClinGen allele CA4342782.